The following is an entry in ClinVar:

ClinVar aggregate classification (germline): Likely pathogenic. Review status: criteria provided, multiple submitters, no conflicts (2 of 4 stars). 2 submissions from 2 submitters: Likely pathogenic (2). Last evaluated 2026-05-30.

Conditions:
Neurofibromatosis, type 1 (NF1). Also called: VON RECKLINGHAUSEN DISEASE; Neurofibromatosis, type I; NEUROFIBROMATOSIS, TYPE I, SOMATIC; Peripheral type neurofibromatosis. Identifiers: Orphanet 636, MedGen C0027831, MONDO:0018975, OMIM 162200. Disease mechanism: loss of function.

gnomAD v4.1: 1 of 1,605,236 alleles (0.000062%); highest among the groups gnomAD compares: Non-Finnish European, 0.000085%; no homozygotes.

Submissions (2):

NHS Central & South Genomic Laboratory Hub
Classification: Likely pathogenic for Neurofibromatosis type 1. Last evaluated: 2026-05-30. Review status: criteria provided, single submitter. Criteria: ACMG Guidelines, 2015. Collection method: clinical testing. Allele origin: germline. Affected: yes.

Labcorp Genetics (formerly Invitae), Labcorp
Classification: Likely pathogenic for Neurofibromatosis, type 1. Last evaluated: 2023-12-22. Review status: criteria provided, single submitter. Criteria: Invitae Variant Classification Sherloc (09022015). Collection method: clinical testing. Allele origin: germline.
Comment: This sequence change falls in intron 53 of the NF1 gene. It does not directly change the encoded amino acid sequence of the NF1 protein. It affects a nucleotide within the consensus splice site. This variant is not present in population databases (gnomAD no frequency). This variant has been observed in individual(s) with neurofibromatosis type 1 (PMID: 22108604). Variants that disrupt the consensus splice site are a relatively common cause of aberrant splicing (PMID: 17576681, 9536098). Algorithms developed to predict the effect of sequence changes on RNA splicing suggest that this variant may disrupt the consensus splice site. This variant disrupts the c.7907+3 nucleotide in the NF1 gene. Other variant(s) that disrupt this nucleotide have been determined to be pathogenic (PMID: 22108604; Invitae). This suggests that this nucleotide is clinically significant, and that variants that disrupt this position are likely to be disease-causing. In summary, the currently available evidence indicates that the variant is pathogenic, but additional data are needed to prove that conclusively. Therefore, this variant has been classified as Likely Pathogenic.

Literature cited by the submitters: PubMed 22108604 (cited by Labcorp Genetics (formerly Invitae), Labcorp); PubMed 17576681 (cited by Labcorp Genetics (formerly Invitae), Labcorp); PubMed 9536098 (cited by Labcorp Genetics (formerly Invitae), Labcorp).

NM_001042492.3(NF1):c.7970+3A>T

Gene: NF1 (neurofibromin 1; plus strand). Cytogenetic location: 17q11.2.
Variant type: single nucleotide variant.
Coding change: c.7970+3A>T on transcript NM_001042492.3 (MANE Select); 3 bases into the intron after coding-DNA position 7970, A replaced by T.
Molecular consequence: intron variant.
Genome position (GRCh38, 1-based): chr17:31,357,372, A>T. VCF-style: chr17-31357372-A-T. GRCh37 (hg19) VCF-style: chr17-29684390-A-T.
Other names: c.7907+3A>T (NM_000267.4).
Identifiers: ClinVar variation 2736582 (VCV002736582.4), dbSNP rs1567627282, ClinGen allele CA2637086168.